The following is an entry in ClinVar:

ClinVar aggregate classification (germline): Uncertain significance (1 of 4 stars; one submission).

Allele frequency attached by ClinVar (database versions not stated): ExAC 0.00001.
gnomAD v4.1: 2 of 1,605,832 alleles (0.00012%); highest among the groups gnomAD compares: Non-Finnish European, 0.00017%; no homozygotes.

Submission:

Labcorp Genetics (formerly Invitae), Labcorp
Classification: Uncertain significance. Last evaluated: 2023-12-11. Review status: criteria provided, single submitter. Criteria: Invitae Variant Classification Sherloc (09022015). Collection method: clinical testing. Allele origin: germline.
Comment: This sequence change replaces proline, which is neutral and non-polar, with threonine, which is neutral and polar, at codon 19 of the MAPKAPK3 protein (p.Pro19Thr). This variant is present in population databases (rs779772290, gnomAD 0.001%). This variant has not been reported in the literature in individuals affected with MAPKAPK3-related conditions. ClinVar contains an entry for this variant (Variation ID: 2129143). An algorithm developed to predict the effect of missense changes on protein structure and function (PolyPhen-2) suggests that this variant is likely to be tolerated. In summary, the available evidence is currently insufficient to determine the role of this variant in disease. Therefore, it has been classified as a Variant of Uncertain Significance.

NM_001243925.2(MAPKAPK3):c.55C>A (p.Pro19Thr)

Gene: MAPKAPK3 (MAPK activated protein kinase 3; plus strand). Cytogenetic location: 3p21.2.
Variant type: single nucleotide variant.
Coding change: c.55C>A on transcript NM_001243925.2 (MANE Select); coding-DNA position 55, C replaced by A.
Protein change: p.Pro19Thr; replaces proline 19 with threonine.
Molecular consequence: missense variant.
Genome position (GRCh38, 1-based): chr3:50,617,620, C>A. VCF-style: chr3-50617620-C-A. GRCh37 (hg19) VCF-style: chr3-50655051-C-A.
Other names: c.55C>A, p.Pro19Thr (NM_001243926.2, NM_004635.5); short protein forms P19T.
Identifiers: ClinVar variation 2129143 (VCV002129143.4), dbSNP rs779772290, ClinGen allele CA2420144.